The following is an entry in ClinVar:

ClinVar aggregate classification (germline): Uncertain significance (1 of 4 stars; one submission).

Submission:

Labcorp Genetics (formerly Invitae), Labcorp
Classification: Uncertain significance. Last evaluated: 2025-10-15. Review status: criteria provided, single submitter. Criteria: Invitae Variant Classification Sherloc (09022015). Collection method: clinical testing. Allele origin: germline.
Comment: This sequence change replaces methionine, which is neutral and non-polar, with isoleucine, which is neutral and non-polar, at codon 176 of the ABCB7 protein (p.Met176Ile). This variant is present in population databases (rs776629362, gnomAD 0.004%), including at least one homozygous and/or hemizygous individual. This variant has not been reported in the literature in individuals affected with ABCB7-related conditions. An algorithm developed to predict the effect of missense changes on protein structure and function (PolyPhen-2) suggests that this variant is likely to be tolerated. In summary, the available evidence is currently insufficient to determine the role of this variant in disease. Therefore, it has been classified as a Variant of Uncertain Significance.

NM_001271696.3(ABCB7):c.525G>A (p.Met175Ile)

Gene: ABCB7 (ATP binding cassette subfamily B member 7; minus strand). Cytogenetic location: Xq13.3.
Variant type: single nucleotide variant.
Coding change: c.525G>A on transcript NM_001271696.3 (MANE Select); coding-DNA position 525, G replaced by A.
Protein change: p.Met175Ile; replaces methionine 175 with isoleucine.
Molecular consequence: missense variant.
Genome position (GRCh38, 1-based): chrX:75,076,583, C>T on the plus strand (G>A on the coding strand, the complement: ABCB7 is on the minus strand). VCF-style: chrX-75076583-C-T. GRCh37 (hg19) VCF-style: chrX-74296418-C-T.
Other names: c.405G>A, p.Met135Ile (NM_001271697.3); c.447G>A, p.Met149Ile (NM_001271698.3); c.408G>A, p.Met136Ile (NM_001271699.3); c.528G>A, p.Met176Ile (NM_004299.6); short protein forms M176I, M135I, M136I, M175I, M149I.
Identifiers: ClinVar variation 4698533 (VCV004698533.1).